The following is an entry in ClinVar:

NM_006080.3(SEMA3A):c.1726C>T (p.His576Tyr)

Gene: SEMA3A (semaphorin 3A; minus strand). Cytogenetic location: 7q21.11.
Variant type: single nucleotide variant.
Coding change: c.1726C>T on transcript NM_006080.3 (MANE Select); coding-DNA position 1726, C replaced by T.
Protein change: p.His576Tyr; replaces histidine 576 with tyrosine.
Molecular consequence: missense variant.
Genome position (GRCh38, 1-based): chr7:83,963,339, G>A on the plus strand (C>T on the coding strand, the complement: SEMA3A is on the minus strand). VCF-style: chr7-83963339-G-A. GRCh37 (hg19) VCF-style: chr7-83592655-G-A.
Other names: short protein forms H576Y.
Identifiers: ClinVar variation 4983100 (VCV004983100.1).
Genomic context (GRCh38, chr7:83,963,339, plus strand): 5'-CCAAAAATGTGCTACTATTCTCTACACCATAGATGATTCTCTCTTCAGGGCTGTGGCCAT[G>A]GTGATTATCTGGCCAGTGATGAGAAAATGCAATGAGAAAATATTAGAGAAGTAATTTCAA-3'
Protein context (NP_006071.1, residues 566-586): HCSDLHHDNH[His576Tyr]GHSPEERIIY

ClinVar aggregate classification (germline): Uncertain significance (1 of 4 stars; one submission).

Conditions:
SEMA3A-related disorder. Also called: SEMA3A-related condition.

Submission:

PreventionGenetics, part of Exact Sciences
Classification: Uncertain significance for SEMA3A-related condition. Last evaluated: 2026-04-05. Review status: criteria provided, single submitter. Criteria: ACMG Guidelines, 2015. Collection method: clinical testing. Allele origin: germline.
Comment: The SEMA3A c.1726C>T variant is predicted to result in the amino acid substitution p.His576Tyr. To our knowledge, this variant has not been reported in the literature. This variant is reported in 0.00088% of alleles in individuals of European (Non-Finnish) descent in gnomAD. At this time, the clinical significance of this variant is uncertain due to the absence of conclusive functional and genetic evidence.